The following is an entry in ClinVar:

ClinVar aggregate classification (germline): Likely pathogenic (1 of 4 stars; one submission).

Conditions:
Senior-Loken syndrome 4 (SLSN4). Identifiers: Orphanet 3156, MedGen C1846979, MONDO:0011756, OMIM 606996.
Nephronophthisis 4 (NPHP4). Also called: NEPHRONOPHTHISIS 4, JUVENILE. Identifiers: Orphanet 655, MedGen C1847013, MONDO:0011752, OMIM 606966.

Submission:

Juno Genomics, Hangzhou Juno Genomics, Inc
Classification: Likely pathogenic for Nephronophthisis 4; Senior-Loken syndrome 4. Review status: criteria provided, single submitter. Criteria: ACMG Guidelines, 2015. Collection method: clinical testing. Allele origin: germline.
Comment: Null variant in a gene where loss of function (LOF) is a known mechanism of disease.;Absent from controls (or at extremely low frequency if recessive) in Genome Aggregation Database.

NM_015102.5(NPHP4):c.805del (p.Gln269fs)

Gene: NPHP4 (nephrocystin 4; minus strand). Cytogenetic location: 1p36.31.
Variant type: Deletion.
Coding change: c.805del on transcript NM_015102.5 (MANE Select); coding-DNA position 805, one base deleted (C; older notation c.805delC).
Protein change: p.Gln269fs; shifts the reading frame from glutamine 269.
Molecular consequence: frameshift variant. On other transcripts: 5 prime UTR variant (1), non-coding transcript variant (1), intron variant (1).
Genome position (GRCh38, 1-based): chr1:5,952,705, G deleted on the plus strand (C on the coding strand, the reverse complement: NPHP4 is on the minus strand); the first of 2 consecutive G bases (chr1:5,952,705-5,952,706); deleting either gives the same sequence. VCF-style (leftmost placement, unchanged base first): chr1-5952704-TG-T. GRCh37 (hg19) VCF-style: chr1-6012764-TG-T.
Other names: c.-562del (NM_001291594.2); c.-556-4454del (NM_001291593.2); short protein forms Q269fs.
Identifiers: ClinVar variation 5006911 (VCV005006911.2).